The following is an entry in ClinVar:

ClinVar aggregate classification (germline): Uncertain significance. Review status: criteria provided, multiple submitters, no conflicts (2 of 4 stars). 2 submissions from 2 submitters: Uncertain significance (2). Last evaluated 2026-03-06.

Submissions (2):

Ambry Genetics
Classification: Uncertain significance. Last evaluated: 2026-03-06. Review status: criteria provided, single submitter. Criteria: Ambry Variant Classification Scheme 2023. Collection method: clinical testing. Allele origin: germline.
Comment: The p.I270S variant (also known as c.809T>G), located in coding exon 8 of the SRP72 gene, results from a T to G substitution at nucleotide position 809. The isoleucine at codon 270 is replaced by serine, an amino acid with dissimilar properties. This amino acid position is conserved. In addition, this alteration is predicted to be deleterious by in silico analysis. Based on the available evidence, the clinical significance of this variant remains unclear.

Labcorp Genetics (formerly Invitae), Labcorp
Classification: Uncertain significance. Last evaluated: 2024-06-30. Review status: criteria provided, single submitter. Criteria: Invitae Variant Classification Sherloc (09022015). Collection method: clinical testing. Allele origin: germline.
Comment: This sequence change replaces isoleucine, which is neutral and non-polar, with serine, which is neutral and polar, at codon 270 of the SRP72 protein (p.Ile270Ser). This variant is not present in population databases (gnomAD no frequency). This variant has not been reported in the literature in individuals affected with SRP72-related conditions. Advanced modeling of protein sequence and biophysical properties (such as structural, functional, and spatial information, amino acid conservation, physicochemical variation, residue mobility, and thermodynamic stability) performed at Invitae indicates that this missense variant is not expected to disrupt SRP72 protein function with a negative predictive value of 80%. In summary, the available evidence is currently insufficient to determine the role of this variant in disease. Therefore, it has been classified as a Variant of Uncertain Significance.

NM_006947.4(SRP72):c.809T>G (p.Ile270Ser)

Gene: SRP72 (signal recognition particle 72; plus strand). Cytogenetic location: 4q12.
Variant type: single nucleotide variant.
Coding change: c.809T>G on transcript NM_006947.4 (MANE Select); coding-DNA position 809, T replaced by G.
Protein change: p.Ile270Ser; replaces isoleucine 270 with serine.
Molecular consequence: missense variant. On other transcripts: non-coding transcript variant (1), intron variant (1).
Genome position (GRCh38, 1-based): chr4:56,478,633, T>G. VCF-style: chr4-56478633-T-G. GRCh37 (hg19) VCF-style: chr4-57344799-T-G.
Other names: c.809T>G (NM_006947.3); c.642+1931T>G (NM_001267722.2); short protein forms I270S.
Identifiers: ClinVar variation 3658314 (VCV003658314.3).
Genomic context (GRCh38, chr4:56,478,633, plus strand): 5'-TGTTGCTTGTTGTTCACAGACCAACAGATGTGGGATTACTAGCTGTAATTGCAAATAACA[T>G]CATTACCATTAACAAGGTATGGAGTATTTGTGCTTTCCATAGATATATTTTACCCTGAAA-3'
Protein context (NP_008878.3, residues 260-280): VGLLAVIANN[Ile270Ser]ITINKDQNVF